The following is an entry in ClinVar:

NM_001353345.2(SETD1B):c.5728-8G>A

Gene: SETD1B (SET domain containing 1B, histone lysine methyltransferase; plus strand). Cytogenetic location: 12q24.31.
Variant type: single nucleotide variant.
Coding change: c.5728-8G>A on transcript NM_001353345.2 (MANE Select); 8 bases into the intron before coding-DNA position 5728, G replaced by A.
Molecular consequence: intron variant.
Genome position (GRCh38, 1-based): chr12:121,830,058, G>A. VCF-style: chr12-121830058-G-A. GRCh37 (hg19) VCF-style: chr12-122267964-G-A.
Identifiers: ClinVar variation 4882787 (VCV004882787.2).

ClinVar aggregate classification (germline): Uncertain significance (1 of 4 stars; one submission).

Conditions:
Intellectual developmental disorder with seizures and language delay (IDDSELD). Identifiers: MedGen C5436574, MONDO:0033559, OMIM 619000.

Submission:

Dasa
Classification: Uncertain significance for Intellectual developmental disorder with seizures and language delay. Last evaluated: 2026-02-19. Review status: criteria provided, single submitter. Criteria: DASA Assertion Criteria. Collection method: clinical testing. Allele origin: germline.
Comment: NM_001353345.2(SETD1B):c.5728-8G>A is a splice-region variant. This variant is absent from population databases. Computational prediction algorithms are consistent with a benign effect. The currently available literature and clinical evidence are not sufficient to establish a definitive association between this variant and the reported condition. Therefore, this variant is classified as a variant of uncertain significance.